The following is an entry in ClinVar:

ClinVar aggregate classification (germline): Uncertain significance (1 of 4 stars; one submission).

Submission:

Labcorp Genetics (formerly Invitae), Labcorp
Classification: Uncertain significance. Last evaluated: 2022-07-29. Review status: criteria provided, single submitter. Criteria: Invitae Variant Classification Sherloc (09022015). Collection method: clinical testing. Allele origin: germline.
Comment: This sequence change replaces aspartic acid, which is acidic and polar, with glycine, which is neutral and non-polar, at codon 469 of the CLTC protein (p.Asp469Gly). This variant is not present in population databases (gnomAD no frequency). This variant has not been reported in the literature in individuals affected with CLTC-related conditions. Algorithms developed to predict the effect of missense changes on protein structure and function are either unavailable or do not agree on the potential impact of this missense change (SIFT: "Deleterious"; PolyPhen-2: "Not Available"; Align-GVGD: "Class C0"). In summary, the available evidence is currently insufficient to determine the role of this variant in disease. Therefore, it has been classified as a Variant of Uncertain Significance.

NM_004859.4(CLTC):c.1394A>G (p.Asp465Gly)

Gene: CLTC (clathrin heavy chain; plus strand). Cytogenetic location: 17q23.1.
Variant type: single nucleotide variant.
Coding change: c.1394A>G on transcript NM_004859.4 (MANE Select); coding-DNA position 1394, A replaced by G.
Protein change: p.Asp465Gly; replaces aspartic acid 465 with glycine.
Molecular consequence: missense variant.
Genome position (GRCh38, 1-based): chr17:59,663,867, A>G. VCF-style: chr17-59663867-A-G. GRCh37 (hg19) VCF-style: chr17-57741228-A-G.
Other names: c.1406A>G, p.Asp469Gly (NM_001288653.2); short protein forms D465G, D469G.
Identifiers: ClinVar variation 1714060 (VCV001714060.5), dbSNP rs2509380891, ClinGen allele CA400425125.